The following is an entry in ClinVar:

ClinVar aggregate classification (germline): Pathogenic (1 of 4 stars; one submission).

Conditions:
Hereditary cancer-predisposing syndrome. Also called: Tumor predisposition; Neoplastic Syndromes, Hereditary; Hereditary Cancer Syndrome; Hereditary neoplastic syndrome. Identifiers: Orphanet 140162, MedGen C0027672, MeSH D009386, MONDO:0015356.

Submission:

Ambry Genetics
Classification: Pathogenic for Hereditary cancer-predisposing syndrome. Last evaluated: 2019-04-22. Review status: criteria provided, single submitter. Criteria: Ambry Variant Classification Scheme 2023. Collection method: clinical testing. Allele origin: germline.
Comment: The c.3159_3160insCT pathogenic mutation, located in coding exon 4 of the MSH6 gene, results from an insertion of two nucleotides at position 3159, causing a translational frameshift with a predicted alternate stop codon (p.I1054Lfs*26). This alteration is expected to result in loss of function by premature protein truncation or nonsense-mediated mRNA decay. As such, this alteration is interpreted as a disease-causing mutation.

NM_000179.3(MSH6):c.3159_3160insCT (p.Ile1054fs)

Gene: MSH6 (mutS homolog 6; plus strand). Cytogenetic location: 2p16.3.
Variant type: Insertion.
Coding change: c.3159_3160insCT on transcript NM_000179.3 (MANE Select); coding-DNA positions 3159 to 3160, CT inserted.
Protein change: p.Ile1054fs; shifts the reading frame from isoleucine 1054.
Molecular consequence: frameshift variant.
Genome position: GRCh38 VCF-style: chr2-47801141-G-GTC. GRCh37 (hg19) VCF-style: chr2-48028280-G-GTC.
Other names: c.2769_2770insCT, p.Ile924fs (NM_001281492.2); c.2253_2254insCT, p.Ile752fs (NM_001281493.2, NM_001281494.2); c.3255_3256insCT, p.Ile1086Leufs (NM_001406795.1, NM_001406802.1); c.3159_3160insCT, p.Ile1054Leufs (NM_001406796.1, NM_001406798.1, NM_001406800.1 and 2 more transcripts); c.2862_2863insCT, p.Ile955Leufs (NM_001406797.1, NM_001406801.1, NM_001406805.1 and 10 more transcripts); c.2634_2635insCT, p.Ile879Leufs (NM_001406799.1, NM_001406806.1, NM_001406807.1); c.3081_3082insCT, p.Ile1028Leufs (NM_001406804.1); c.2253_2254insCT, p.Ile752Leufs (NM_001406811.1, NM_001406812.1, NM_001406814.1 and 4 more transcripts); and 3 more; short protein forms I1054fs, I752fs, I924fs.
Identifiers: ClinVar variation 1728256 (VCV001728256.2), dbSNP rs1553414578, ClinGen allele CA2580066838.